The following is an entry in ClinVar:

NM_001365088.1(SLC12A6):c.1240C>G (p.Gln414Glu)

Gene: SLC12A6 (solute carrier family 12 member 6; minus strand). Cytogenetic location: 15q14.
Variant type: single nucleotide variant.
Coding change: c.1240C>G on transcript NM_001365088.1 (MANE Select); coding-DNA position 1240, C replaced by G.
Protein change: p.Gln414Glu; replaces glutamine 414 with glutamic acid.
Molecular consequence: missense variant.
Genome position (GRCh38, 1-based): chr15:34,252,263, G>C on the plus strand (C>G on the coding strand, the complement: SLC12A6 is on the minus strand). VCF-style: chr15-34252263-G-C. GRCh37 (hg19) VCF-style: chr15-34544464-G-C.
Other names: c.1063C>G, p.Gln355Glu (NM_001042494.2, NM_001042495.2); c.1213C>G, p.Gln405Glu (NM_001042496.2); c.1195C>G, p.Gln399Glu (NM_001042497.2); c.1087C>G, p.Gln363Glu (NM_005135.2); c.1240C>G, p.Gln414Glu (NM_133647.2); short protein forms Q355E, Q363E, Q399E, Q405E, Q414E.
Identifiers: ClinVar variation 3608277 (VCV003608277.3).

ClinVar aggregate classification (germline): Uncertain significance. Review status: criteria provided, multiple submitters, no conflicts (2 of 4 stars). 2 submissions from 2 submitters: Uncertain significance (2). Last evaluated 2025-01-13.

gnomAD v4.1: 4 of 1,607,758 alleles (0.00025%); highest among the groups gnomAD compares: Non-Finnish European, 0.00034%; no homozygotes.

Submissions (2):

Labcorp Genetics (formerly Invitae), Labcorp
Classification: Uncertain significance. Last evaluated: 2025-01-13. Review status: criteria provided, single submitter. Criteria: Invitae Variant Classification Sherloc (09022015). Collection method: clinical testing. Allele origin: germline.
Comment: This sequence change replaces glutamine, which is neutral and polar, with glutamic acid, which is acidic and polar, at codon 414 of the SLC12A6 protein (p.Gln414Glu). This variant is present in population databases (no rsID available, gnomAD 0.0009%). This variant has not been reported in the literature in individuals affected with SLC12A6-related conditions. Invitae Evidence Modeling of protein sequence and biophysical properties (such as structural, functional, and spatial information, amino acid conservation, physicochemical variation, residue mobility, and thermodynamic stability) indicates that this missense variant is not expected to disrupt SLC12A6 protein function with a negative predictive value of 80%. In summary, the available evidence is currently insufficient to determine the role of this variant in disease. Therefore, it has been classified as a Variant of Uncertain Significance.

Blueprint Genetics
Classification: Uncertain significance. Last evaluated: 2021-01-13. Review status: criteria provided, single submitter. Criteria: ACMG Guidelines, 2015. Collection method: clinical testing. Allele origin: germline.